The following is an entry in ClinVar:

ClinVar aggregate classification (germline): Uncertain significance (1 of 4 stars; one submission).

Allele frequency attached by ClinVar (database versions not stated): gnomAD exomes below 0.00001; TOPMed below 0.00001; gnomAD 0.00001.

Submission:

Ambry Genetics
Classification: Uncertain significance. Last evaluated: 2022-03-12. Review status: criteria provided, single submitter. Criteria: Ambry Variant Classification Scheme 2023. Collection method: clinical testing. Allele origin: germline.
Comment: The p.V377A variant (also known as c.1130T>C), located in coding exon 5 of the MNDA gene, results from a T to C substitution at nucleotide position 1130. The valine at codon 377 is replaced by alanine, an amino acid with similar properties. This amino acid position is conserved. In addition, this alteration is predicted to be tolerated by in silico analysis. Since supporting evidence is limited at this time, the clinical significance of this alteration remains unclear.

NM_002432.3(MNDA):c.1130T>C (p.Val377Ala)

Gene: MNDA (myeloid cell nuclear differentiation antigen; plus strand). Cytogenetic location: 1q23.1.
Variant type: single nucleotide variant.
Coding change: c.1130T>C on transcript NM_002432.3 (MANE Select); coding-DNA position 1130, T replaced by C.
Protein change: p.Val377Ala; replaces valine 377 with alanine.
Molecular consequence: missense variant.
Genome position (GRCh38, 1-based): chr1:158,847,870, T>C. VCF-style: chr1-158847870-T-C. GRCh37 (hg19) VCF-style: chr1-158817660-T-C.
Other names: short protein forms V377A.
Identifiers: ClinVar variation 1728279 (VCV001728279.2), dbSNP rs1233126554, ClinGen allele CA343044742.